The following is an entry in ClinVar:

ClinVar aggregate classification (germline): Uncertain significance (1 of 4 stars; one submission).

Allele frequency attached by ClinVar (database versions not stated): gnomAD 0.00001; TOPMed 0.00001.
gnomAD v4.1: 4 of 1,613,892 alleles (0.00025%); highest among the groups gnomAD compares: Non-Finnish European, 0.00034%; no homozygotes.

Submission:

Labcorp Genetics (formerly Invitae), Labcorp
Classification: Uncertain significance. Last evaluated: 2022-11-19. Review status: criteria provided, single submitter. Criteria: Invitae Variant Classification Sherloc (09022015). Collection method: clinical testing. Allele origin: germline.
Comment: In summary, the available evidence is currently insufficient to determine the role of this variant in disease. Therefore, it has been classified as a Variant of Uncertain Significance. Advanced modeling of protein sequence and biophysical properties (such as structural, functional, and spatial information, amino acid conservation, physicochemical variation, residue mobility, and thermodynamic stability) has been performed at Invitae for this missense variant, however the output from this modeling did not meet the statistical confidence thresholds required to predict the impact of this variant on AK7 protein function. This variant has not been reported in the literature in individuals affected with AK7-related conditions. This variant is not present in population databases (gnomAD no frequency). This sequence change replaces glutamic acid, which is acidic and polar, with aspartic acid, which is acidic and polar, at codon 633 of the AK7 protein (p.Glu633Asp).

NM_152327.5(AK7):c.1899G>C (p.Glu633Asp)

Gene: AK7 (adenylate kinase 7; plus strand). Cytogenetic location: 14q32.2.
Variant type: single nucleotide variant.
Coding change: c.1899G>C on transcript NM_152327.5 (MANE Select); coding-DNA position 1899, G replaced by C.
Protein change: p.Glu633Asp; replaces glutamic acid 633 with aspartic acid.
Molecular consequence: missense variant.
Genome position (GRCh38, 1-based): chr14:96,483,144, G>C. VCF-style: chr14-96483144-G-C. GRCh37 (hg19) VCF-style: chr14-96949481-G-C.
Other names: c.1830G>C, p.Glu610Asp (NM_001350888.2, NM_001350890.2); c.1821G>C, p.Glu607Asp (NM_001350891.2); c.1701G>C, p.Glu567Asp (NM_001350892.2); short protein forms E567D, E607D, E633D, E610D.
Identifiers: ClinVar variation 2981702 (VCV002981702.3), dbSNP rs932469889, ClinGen allele CA266065055.